The following is an entry in ClinVar:

ClinVar aggregate classification (germline): Conflicting classifications of pathogenicity. Review status: criteria provided, conflicting classifications (1 of 4 stars). 4 submissions from 4 submitters: Uncertain significance (1); Likely benign (3). Last evaluated 2025-12-10.

Conditions:
Hereditary breast ovarian cancer syndrome. Also called: BRCA1- and BRCA2-Associated Hereditary Breast and Ovarian Cancer; Hereditary breast and ovarian cancer syndrome (HBOC); Hereditary breast and ovarian cancer syndrome; Breast and ovarian cancer; Hereditary breast and ovarian cancer; Hereditary breast and/or ovarian cancer syndrome. Identifiers: Orphanet 145, MedGen C0677776, MeSH D061325, MONDO:0003582. Disease mechanism: loss of function.
Hereditary cancer-predisposing syndrome. Also called: Hereditary Cancer Syndrome; Hereditary neoplastic syndrome; Neoplastic Syndromes, Hereditary; Tumor predisposition. Identifiers: Orphanet 140162, MedGen C0027672, MeSH D009386, MONDO:0015356.

Allele frequency attached by ClinVar (database versions not stated): gnomAD exomes below 0.00001.

Submissions (5):

Labcorp Genetics (formerly Invitae), Labcorp
Classification: Likely benign for Hereditary breast ovarian cancer syndrome. Last evaluated: 2025-12-10. Review status: criteria provided, single submitter. Criteria: Invitae Variant Classification Sherloc (09022015). Collection method: clinical testing. Allele origin: germline.

Women's Health and Genetics/Laboratory Corporation of America, LabCorp
Classification: Likely benign. Last evaluated: 2025-04-25. Review status: criteria provided, single submitter. Criteria: LabCorp Variant Classification Summary - May 2015. Collection method: clinical testing. Allele origin: germline.
Comment: Variant summary: BRCA1 c.135-4A>G alters a non-conserved nucleotide located at a position not widely known to affect splicing. Consensus agreement among computation tools predict no significant impact on normal splicing. However, these predictions have yet to be confirmed by functional studies. The variant was absent in 248196 control chromosomes. The available data on variant occurrences in the general population are insufficient to allow any conclusion about variant significance. To our knowledge, no occurrence of c.135-4A>G in individuals affected with Hereditary Breast And Ovarian Cancer Syndrome has been reported. At least one publication reports experimental evidence that this variant has no damaging effect (Findlay_2018). The following publication has been ascertained in the context of this evaluation (PMID: 30209399). ClinVar contains an entry for this variant (Variation ID: 818989). Based on the evidence outlined above, the variant was classified as likely benign.

Quest Diagnostics Nichols Institute San Juan Capistrano
Classification: Uncertain significance. Last evaluated: 2024-12-18. Review status: criteria provided, single submitter. Criteria: Quest Diagnostics criteria. Collection method: clinical testing. Allele origin: unknown.
Comment: The BRCA1 c.135-4A>G variant has not been reported in individuals with BRCA1-related conditions in the published literature. One in vitro study of haploid cell survival using saturated genome editing shows that this variant retains BRCA1 functional activity (PMID: 30209399 (2018)). This variant has not been reported in large, multi-ethnic general populations (Genome Aggregation Database). Analysis of this variant using software algorithms for the prediction of the effect of nucleotide changes on splicing yielded predictions that this variant does not affect BRCA1 mRNA splicing. Based on the available information, we are unable to determine the clinical significance of this variant.

Ambry Genetics
Classification: Likely benign for Hereditary cancer-predisposing syndrome. Last evaluated: 2022-01-18. Review status: criteria provided, single submitter. Criteria: Ambry Variant Classification Scheme 2023. Collection method: clinical testing. Allele origin: germline.

Brotman Baty Institute, University of Washington
No classification provided (evidence only). Condition: Breast-ovarian cancer, familial 1. Review status: no classification provided. Collection method: in vitro. Allele origin: not applicable. Functional consequence: functionally_normal. Not counted in ClinVar's aggregate classification.
ClinVar note: "not provided" was previously submitted as the classification for the variant. However, the classification appeared to be based only on an observation of functional data so it was converted to no classification on 2025-07-30.

Literature cited by the submitters: PubMed 30209399 (cited by Women's Health and Genetics/Laboratory Corporation of America, LabCorp and Quest Diagnostics Nichols Institute San Juan Capistrano).

NM_007294.4(BRCA1):c.135-4A>G

Gene: BRCA1 (BRCA1 DNA repair associated; minus strand). Cytogenetic location: 17q21.31.
Variant type: single nucleotide variant.
Coding change: c.135-4A>G on transcript NM_007294.4 (MANE Select); 4 bases into the intron before coding-DNA position 135, A replaced by G.
Molecular consequence: intron variant.
Genome position (GRCh38, 1-based): chr17:43,106,537, T>C on the plus strand (A>G on the coding strand, the complement: BRCA1 is on the minus strand). VCF-style: chr17-43106537-T-C. GRCh37 (hg19) VCF-style: chr17-41258554-T-C.
Other names: c.-7-4A>G (NM_001408458.1, NM_001407931.1, NM_001407747.1 and 99 more transcripts); c.-218-11677A>G (NM_001407967.1, NM_001407966.1); c.-169-1581A>G (NM_001407959.1, NM_001407962.1, NM_001408512.1 and 4 more transcripts); c.-54-4A>G (NM_001407885.1, NM_001407886.1, NM_001407898.1 and 58 more transcripts); c.135-4A>G (NM_001407686.1, NM_001408397.1, NM_001407632.1 and 167 more transcripts); c.81-1581A>G (NM_001408451.1); c.135-1581A>G (NM_001408475.1, NM_001407875.1, NM_001407659.1 and 21 more transcripts).
Identifiers: ClinVar variation 818989 (VCV000818989.19), dbSNP rs1597900683, ClinGen allele CA915950068.